The following is an entry in ClinVar:

ClinVar aggregate classification (germline): Conflicting classifications of pathogenicity. Review status: criteria provided, conflicting classifications (1 of 4 stars). 2 submissions from 2 submitters: Uncertain significance (1); Likely benign (1). Last evaluated 2023-04-21.

Conditions:
Hereditary cancer-predisposing syndrome. Also called: Hereditary neoplastic syndrome; Neoplastic Syndromes, Hereditary; Tumor predisposition; Hereditary Cancer Syndrome. Identifiers: Orphanet 140162, MedGen C0027672, MeSH D009386, MONDO:0015356.

Submissions (2):

Labcorp Genetics (formerly Invitae), Labcorp
Classification: Likely benign. Last evaluated: 2023-04-21. Review status: criteria provided, single submitter. Criteria: Invitae Variant Classification Sherloc (09022015). Collection method: clinical testing. Allele origin: germline.

Ambry Genetics
Classification: Uncertain significance for Hereditary cancer-predisposing syndrome. Last evaluated: 2022-04-18. Review status: criteria provided, single submitter. Criteria: Ambry Variant Classification Scheme 2023. Collection method: clinical testing. Allele origin: germline.
Comment: The c.912G>A variant (also known as p.V304V), located in coding exon 6 of the MSH3 gene, results from a G to A substitution at nucleotide position 912. This nucleotide substitution does not change the valine at codon 304.This nucleotide position is not well conserved in available vertebrate species. In silico splice site analysis predicts that this alteration will result in the creation or strengthening of a novel splice acceptor site. Since supporting evidence is limited at this time, the clinical significance of this alteration remains unclear.

NM_002439.5(MSH3):c.912G>A (p.Val304=)

Genes: MSH3 (mutS homolog 3; plus strand), LOC126807437 (MED14-independent group 3 enhancer GRCh37_chr5:79968379-79969578; plus strand). Cytogenetic location: 5q14.1.
Variant type: single nucleotide variant.
Coding change: c.912G>A on transcript NM_002439.5 (MANE Select); coding-DNA position 912, G replaced by A.
Protein change: p.Val304=; no amino-acid change (valine 304 retained).
Molecular consequence: synonymous variant.
Genome position (GRCh38, 1-based): chr5:80,672,743, G>A. VCF-style: chr5-80672743-G-A. GRCh37 (hg19) VCF-style: chr5-79968562-G-A.
Identifiers: ClinVar variation 1124796 (VCV001124796.11), dbSNP rs2112814232, ClinGen allele CA445158907.